The following is an entry in ClinVar:

NM_001330588.2(TPP2):c.1773A>T (p.Gln591His)

Gene: TPP2 (tripeptidyl peptidase 2; plus strand). Cytogenetic location: 13q33.1.
Variant type: single nucleotide variant.
Coding change: c.1773A>T on transcript NM_001330588.2 (MANE Select); coding-DNA position 1773, A replaced by T.
Protein change: p.Gln591His; replaces glutamine 591 with histidine.
Molecular consequence: missense variant. On other transcripts: non-coding transcript variant (1).
Genome position (GRCh38, 1-based): chr13:102,637,176, A>T. VCF-style: chr13-102637176-A-T. GRCh37 (hg19) VCF-style: chr13-103289526-A-T.
Other names: c.1773A>T, p.Gln591His (NM_003291.4, NM_001367947.1); short protein forms Q591H.
Identifiers: ClinVar variation 2750017 (VCV002750017.3), dbSNP rs1279829598, ClinGen allele CA388489130.

ClinVar aggregate classification (germline): Uncertain significance (1 of 4 stars; one submission).

Conditions:
Evans syndrome, immunodeficiency, and premature immunosenescence associated with tripeptidyl-peptidase II deficiency. Identifiers: MedGen CN231723. Disease mechanism: loss of function.

Submission:

Labcorp Genetics (formerly Invitae), Labcorp
Classification: Uncertain significance for Evans syndrome, immunodeficiency, and premature immunosenescence associated with tripeptidyl-peptidase II deficiency. Last evaluated: 2023-08-04. Review status: criteria provided, single submitter. Criteria: Invitae Variant Classification Sherloc (09022015). Collection method: clinical testing. Allele origin: germline.
Comment: In summary, the available evidence is currently insufficient to determine the role of this variant in disease. Therefore, it has been classified as a Variant of Uncertain Significance. An algorithm developed to predict the effect of missense changes on protein structure and function (PolyPhen-2) suggests that this variant is likely to be disruptive. This variant has not been reported in the literature in individuals affected with TPP2-related conditions. This variant is not present in population databases (gnomAD no frequency). This sequence change replaces glutamine, which is neutral and polar, with histidine, which is basic and polar, at codon 591 of the TPP2 protein (p.Gln591His).